The following is an entry in ClinVar:

NM_001083926.2(ASRGL1):c.833G>A (p.Trp278Ter)

Gene: ASRGL1 (asparaginase and isoaspartyl peptidase 1; plus strand). Cytogenetic location: 11q12.3.
Variant type: single nucleotide variant.
Coding change: c.833G>A on transcript NM_001083926.2 (MANE Select); coding-DNA position 833, G replaced by A.
Protein change: p.Trp278Ter; replaces tryptophan 278 with a stop codon.
Molecular consequence: nonsense.
Genome position (GRCh38, 1-based): chr11:62,392,190, G>A. VCF-style: chr11-62392190-G-A. GRCh37 (hg19) VCF-style: chr11-62159662-G-A.
Other names: c.833G>A, p.Trp278Ter (NM_025080.4); short protein forms W278*.
Identifiers: ClinVar variation 1393554 (VCV001393554.6), dbSNP rs761883995, ClinGen allele CA6043334.

ClinVar aggregate classification (germline): Uncertain significance (1 of 4 stars; one submission).

Allele frequency attached by ClinVar (database versions not stated): gnomAD exomes below 0.00001; TOPMed below 0.00001; ExAC 0.00001; gnomAD 0.00001.
gnomAD v4.1: 1 of 1,614,068 alleles (0.000062%); highest among the groups gnomAD compares: Non-Finnish European, 0.000085%; no homozygotes.

Submission:

Labcorp Genetics (formerly Invitae), Labcorp
Classification: Uncertain significance. Last evaluated: 2021-05-06. Review status: criteria provided, single submitter. Criteria: Invitae Variant Classification Sherloc (09022015). Collection method: clinical testing. Allele origin: germline.
Comment: This sequence change creates a premature translational stop signal (p.Trp278*) in the ASRGL1 gene. While this is not anticipated to result in nonsense mediated decay, it is expected to disrupt the last 31 amino acid(s) of the ASRGL1 protein. This variant is present in population databases (rs761883995, ExAC 0.001%). In summary, the available evidence is currently insufficient to determine the role of this variant in disease. Therefore, it has been classified as a Variant of Uncertain Significance. Experimental studies and prediction algorithms are not available or were not evaluated, and the functional significance of this variant is currently unknown. This variant has not been reported in the literature in individuals with ASRGL1-related conditions.